The following is an entry in ClinVar:

NM_001267550.2(TTN):c.69422_69423delinsAAAAGGA (p.Gly23141fs)

Genes: TTN (titin; minus strand), TTN-AS1 (TTN antisense RNA 1; plus strand). Cytogenetic location: 2q31.2.
Variant type: Indel.
Coding change: c.69422_69423delinsAAAAGGA on transcript NM_001267550.2 (MANE Select); coding-DNA positions 69422 to 69423, GC replaced by AAAAGGA.
Protein change: p.Gly23141fs; shifts the reading frame from glycine 23141.
Molecular consequence: frameshift variant.
Genome position (GRCh38, 1-based): chr2:178,576,821-178,576,822, GC replaced by TCCTTTT on the plus strand (GC replaced by AAAAGGA on the coding strand, the reverse complement: TTN is on the minus strand). VCF-style: chr2-178576821-GC-TCCTTTT. GRCh37 (hg19) VCF-style: chr2-179441548-GC-TCCTTTT.
Other names: c.64499_64500delinsAAAAGGA, p.Gly21500fs (NM_001256850.1); c.42227_42228delinsAAAAGGA, p.Gly14076fs (NM_003319.4); c.61718_61719delinsAAAAGGA, p.Gly20573fs (NM_133378.4); c.42602_42603delinsAAAAGGA, p.Gly14201fs (NM_133432.3); c.42803_42804delinsAAAAGGA, p.Gly14268fs (NM_133437.4); c.42227_42228delGCinsAAAAGGA (NM_003319.4); short protein forms G14268fs, G20573fs, G21500fs, G14201fs, G14076fs, G23141fs.
Identifiers: ClinVar variation 1738836 (VCV001738836.2), dbSNP rs2468749792, ClinGen allele CA2580064941.
Genomic context (GRCh38, chr2:178,576,821, plus strand): 5'-TTTCCAGCTGACAGTGGCAGTGTTCTTAGTGACATTTGATACCTCTGGTTTTTCAGGAGG[GC>TCCTTTT]CAGGGGGACCTGAAAAGGAAGCAAATTTATTAGAAATCCATGATTTCCTAAACTCTGCTA-3'

ClinVar aggregate classification (germline): Likely pathogenic (1 of 4 stars; one submission).

Conditions:
Cardiovascular phenotype. Identifiers: MedGen CN230736.

Submission:

Ambry Genetics
Classification: Likely pathogenic for Cardiovascular phenotype. Last evaluated: 2022-07-12. Review status: criteria provided, single submitter. Criteria: Ambry Variant Classification Scheme 2023. Collection method: clinical testing. Allele origin: germline.
Comment: The c.42227_42228delGCinsAAAAGGA variant, located in coding exon 152 of the TTN gene, results from the deletion of two nucleotides and insertion of 7 nucleotides causing a translational frameshift with a predicted alternate stop codon (p.G14076Efs*38). This exon is located in the A-band region of the N2-B isoform of the titin protein and is constitutively expressed in TTN transcripts (percent spliced in or PSI 100%). This variant is considered to be rare based on population cohorts in the Genome Aggregation Database (gnomAD). This alteration is expected to result in loss of function by premature protein truncation or nonsense-mediated mRNA decay. While truncating variants in TTN are present in 1-3% of the general population, truncating variants in the A-band are the most common cause of dilated cardiomyopathy (DCM) (Herman DS et al. N. Engl. J. Med., 2012 Feb;366:619-28; Roberts AM et al. Sci Transl Med, 2015 Jan;7:270ra6). TTN truncating variants encoded in constitutive exons (PSI >90%) have been found to be significantly associated with DCM regardless of their position in titin (Schafer S et al. Nat. Genet., 2017 01;49:46-53). Based on the majority of available evidence to date, this variant is likely to be pathogenic.

Literature cited by the submitters: PubMed 30535219; PubMed 31931689.